The following is an entry in ClinVar:

NM_006767.4(LZTR1):c.1840A>G (p.Met614Val)

Gene: LZTR1 (leucine zipper like post translational regulator 1; plus strand). Cytogenetic location: 22q11.21.
Variant type: single nucleotide variant.
Coding change: c.1840A>G on transcript NM_006767.4 (MANE Select); coding-DNA position 1840, A replaced by G.
Protein change: p.Met614Val; replaces methionine 614 with valine.
Molecular consequence: missense variant.
Genome position (GRCh38, 1-based): chr22:20,994,924, A>G. VCF-style: chr22-20994924-A-G. GRCh37 (hg19) VCF-style: chr22-21349213-A-G.
Other names: c.1840A>G (NM_006767.3); short protein forms M614V.
Identifiers: ClinVar variation 3691660 (VCV003691660.3).
Genomic context (GRCh38, chr22:20,994,924, plus strand): 5'-CCCCAGGAGCACTGCCTGAACTTCGTGGTAAAGGAGTCCCACTTCAACCAGGTGATCATG[A>G]TGAAGGAGTTCGAGCGCCTCTCCTCTCCACTGATAGTGGAGATTGTGCGGCGGAAGCAGC-3'
Protein context (NP_006758.2, residues 604-624): KESHFNQVIM[Met614Val]KEFERLSSPL

ClinVar aggregate classification (germline): Uncertain significance. Review status: criteria provided, multiple submitters, no conflicts (2 of 4 stars). 2 submissions from 2 submitters: Uncertain significance (2). Last evaluated 2025-08-22.

Conditions:
Cardiovascular phenotype. Identifiers: MedGen CN230736.
Hereditary cancer-predisposing syndrome. Also called: Tumor predisposition; Neoplastic Syndromes, Hereditary; Hereditary Cancer Syndrome; Hereditary neoplastic syndrome. Identifiers: Orphanet 140162, MedGen C0027672, MeSH D009386, MONDO:0015356.

gnomAD v4.1: 3 of 1,613,402 alleles (0.00019%); highest among the groups gnomAD compares: African/African-American, 0.0013%; no homozygotes.

Submissions (2):

Ambry Genetics
Classification: Uncertain significance for Cardiovascular phenotype; Hereditary cancer-predisposing syndrome. Last evaluated: 2025-08-22. Review status: criteria provided, single submitter. Criteria: Ambry Variant Classification Scheme 2023. Collection method: clinical testing. Allele origin: germline.
Comment: The p.M614V variant (also known as c.1840A>G), located in coding exon 16 of the LZTR1 gene, results from an A to G substitution at nucleotide position 1840. The methionine at codon 614 is replaced by valine, an amino acid with highly similar properties. This amino acid position is conserved. In addition, this alteration is predicted to be tolerated by in silico analysis. Based on the available evidence, the clinical significance of this variant remains unclear.

Labcorp Genetics (formerly Invitae), Labcorp
Classification: Uncertain significance. Last evaluated: 2025-07-29. Review status: criteria provided, single submitter. Criteria: Invitae Variant Classification Sherloc (09022015). Collection method: clinical testing. Allele origin: germline.
Comment: This sequence change replaces methionine, which is neutral and non-polar, with valine, which is neutral and non-polar, at codon 614 of the LZTR1 protein (p.Met614Val). This variant is present in population databases (rs775803225, gnomAD 0.003%). This variant has not been reported in the literature in individuals affected with LZTR1-related conditions. ClinVar contains an entry for this variant (Variation ID: 3691660). Invitae Evidence Modeling of protein sequence and biophysical properties (such as structural, functional, and spatial information, amino acid conservation, physicochemical variation, residue mobility, and thermodynamic stability) indicates that this missense variant is not expected to disrupt LZTR1 protein function with a negative predictive value of 80%. In summary, the available evidence is currently insufficient to determine the role of this variant in disease. Therefore, it has been classified as a Variant of Uncertain Significance.